The following is an entry in ClinVar:

NM_000051.4(ATM):c.8695dup (p.Ile2899fs)

Genes: ATM (ATM serine/threonine kinase; plus strand), C11orf65 (chromosome 11 open reading frame 65; minus strand). Cytogenetic location: 11q22.3.
Variant type: Duplication.
Coding change: c.8695dup on transcript NM_000051.4 (MANE Select); coding-DNA position 8695, one base duplicated (A; older notation c.8695dupA).
Protein change: p.Ile2899fs; shifts the reading frame from isoleucine 2899.
Molecular consequence: frameshift variant. On other transcripts: intron variant (2).
Genome position (GRCh38, 1-based): chr11:108,353,789, A duplicated; the last of 4 consecutive A bases (chr11:108,353,786-108,353,789); duplicating any one gives the same sequence. VCF-style (leftmost placement, unchanged base first): chr11-108353785-C-CA. GRCh37 (hg19) VCF-style: chr11-108224512-C-CA.
Other names: c.8695dupA (NM_000051.3); c.8695dup, p.Ile2899fs (NM_001351834.2); c.640+32134dup (NM_001330368.2); c.695-18494dup (NM_001351110.2); short protein forms I2899fs.
Identifiers: ClinVar variation 545794 (VCV000545794.15), dbSNP rs1555142816, ClinGen allele CA658822485.

ClinVar aggregate classification (germline): Pathogenic/Likely pathogenic. Review status: criteria provided, multiple submitters, no conflicts (2 of 4 stars). 5 submissions from 5 submitters: Pathogenic (4); Likely pathogenic (1). Last evaluated 2024-09-11.

Conditions:
Hereditary cancer-predisposing syndrome. Also called: Hereditary Cancer Syndrome; Neoplastic Syndromes, Hereditary; Tumor predisposition; Hereditary neoplastic syndrome. Identifiers: Orphanet 140162, MedGen C0027672, MeSH D009386, MONDO:0015356.
Familial cancer of breast. Also called: BREAST CANCER, FAMILIAL; Hereditary breast cancer; hereditary breast carcinoma. Identifiers: Orphanet 227535, MedGen C0346153, MONDO:0016419, OMIM 114480. Disease mechanism: loss of function.
Ataxia-telangiectasia syndrome (AT). Also called: Cerebello-oculocutaneous telangiectasia; Immunodeficiency with ataxia telangiectasia; Ataxia-telangiectasia, complementation group E; Ataxia-telangiectasia, complementation group D; AT, COMPLEMENTATION GROUP C; ATAXIA-TELANGIECTASIA, COMPLEMENTATION GROUP A. Identifiers: Orphanet 100, MedGen C0004135, MONDO:0008840, OMIM 208900.

Submissions (5):

Ambry Genetics
Classification: Pathogenic for Hereditary cancer-predisposing syndrome. Last evaluated: 2024-09-11. Review status: criteria provided, single submitter. Criteria: Ambry Variant Classification Scheme 2023. Collection method: clinical testing. Allele origin: germline.
Comment: The c.8695dupA pathogenic mutation, located in coding exon 59 of the ATM gene, results from a duplication of A at nucleotide position 8695, causing a translational frameshift with a predicted alternate stop codon (p.I2899Nfs*6). This variant is considered to be rare based on population cohorts in the Genome Aggregation Database (gnomAD). This alteration is expected to result in loss of function by premature protein truncation or nonsense-mediated mRNA decay. As such, this alteration is interpreted as a disease-causing mutation.

Labcorp Genetics (formerly Invitae), Labcorp
Classification: Pathogenic for Ataxia-telangiectasia syndrome. Last evaluated: 2024-04-25. Review status: criteria provided, single submitter. Criteria: Invitae Variant Classification Sherloc (09022015). Collection method: clinical testing. Allele origin: germline.
Comment: This sequence change creates a premature translational stop signal (p.Ile2899Asnfs*6) in the ATM gene. It is expected to result in an absent or disrupted protein product. Loss-of-function variants in ATM are known to be pathogenic (PMID: 23807571, 25614872). This variant is not present in population databases (gnomAD no frequency). This variant has not been reported in the literature in individuals affected with ATM-related conditions. ClinVar contains an entry for this variant (Variation ID: 545794). For these reasons, this variant has been classified as Pathogenic.

Myriad Genetics, Inc.
Classification: Pathogenic for Familial cancer of breast. Last evaluated: 2024-02-05. Review status: criteria provided, single submitter. Criteria: Myriad Autosomal Dominant, Autosomal Recessive and X-Linked Classification Criteria (2023). Collection method: clinical testing. Allele origin: unknown.
Comment: This variant is considered pathogenic. This variant creates a frameshift predicted to result in premature protein truncation.

Baylor Genetics
Classification: Likely pathogenic for Familial cancer of breast. Last evaluated: 2021-05-28. Review status: criteria provided, single submitter. Criteria: ACMG Guidelines, 2015. Collection method: clinical testing. Allele origin: unknown.

GeneDx
Classification: Pathogenic. Last evaluated: 2017-06-12. Review status: criteria provided, single submitter. Criteria: GeneDx Variant Classification (06012015). Collection method: clinical testing. Allele origin: germline. Affected: yes.
Comment: This duplication of one nucleotide in ATM is denoted c.8695dupA at the cDNA level and p.Ile2899AsnfsX6 (I2899NfsX6) at the protein level. The normal sequence, with the base that is duplicated in brackets, is CAAA[dupA]TCCT. The duplication causes a frameshift which changes an Isoleucine to an Asparagine at codon 2899, and creates a premature stop codon at position 6 of the new reading frame. Although this variant has not, to our knowledge, been reported in the literature, it is predicted to cause loss of normal protein function through either protein truncation or nonsense-mediated mRNA decay. Based on the currently available information, we consider this duplication to be pathogenic.

Literature cited by the submitters: PubMed 23807571 (cited by Labcorp Genetics (formerly Invitae), Labcorp); PubMed 25614872 (cited by Labcorp Genetics (formerly Invitae), Labcorp).